The following is an entry in ClinVar:

NM_001048174.2(MUTYH):c.420+22G>A

Gene: MUTYH (mutY DNA glycosylase; minus strand). Cytogenetic location: 1p34.1.
Variant type: single nucleotide variant.
Coding change: c.420+22G>A on transcript NM_001048174.2 (MANE Select); 22 bases into the intron after coding-DNA position 420, G replaced by A.
Molecular consequence: intron variant.
Genome position (GRCh38, 1-based): chr1:45,332,896, C>T on the plus strand (G>A on the coding strand, the complement: MUTYH is on the minus strand). VCF-style: chr1-45332896-C-T. GRCh37 (hg19) VCF-style: chr1-45798568-C-T.
Other names: c.75+22G>A (NM_001350651.2, NM_001350650.2); c.144+22G>A (NM_001293192.2, NM_001293196.2); c.420+22G>A (NM_001048171.2, NM_001048173.2, NM_001293195.2); c.465+22G>A (NM_001293190.2); c.495+22G>A (NM_012222.3); c.504+22G>A (NM_001128425.2); c.423+22G>A (NM_001048172.2); c.453+22G>A (NM_001293191.2).
Identifiers: ClinVar variation 1091713 (VCV001091713.10), dbSNP rs752668622, ClinGen allele CA058010.

ClinVar aggregate classification (germline): Likely benign. Review status: criteria provided, multiple submitters, no conflicts (2 of 4 stars). 2 submissions from 2 submitters: Likely benign (2). Last evaluated 2025-07-31.

Conditions:
Familial adenomatous polyposis 2. Also called: FAP type 2; MUTYH Polyposis; COLORECTAL ADENOMATOUS POLYPOSIS, AUTOSOMAL RECESSIVE; ADENOMAS, MULTIPLE COLORECTAL, AUTOSOMAL RECESSIVE; MYH-associated polyposis; MUTYH-associated polyposis. Identifiers: Orphanet 220460, Orphanet 247798, MedGen C3272841, MONDO:0012041, OMIM 608456.

Allele frequency attached by ClinVar (database versions not stated): gnomAD exomes below 0.00001; ExAC 0.00001.
gnomAD v4.1: 2 of 1,614,032 alleles (0.00012%); highest among the groups gnomAD compares: Non-Finnish European, 0.00017%; no homozygotes.

Submissions (2):

Labcorp Genetics (formerly Invitae), Labcorp
Classification: Likely benign for Familial adenomatous polyposis 2. Last evaluated: 2025-07-31. Review status: criteria provided, single submitter. Criteria: Invitae Variant Classification Sherloc (09022015). Collection method: clinical testing. Allele origin: germline.

All of Us Research Program, National Institutes of Health
Classification: Likely benign for Familial adenomatous polyposis 2. Last evaluated: 2023-04-24. Review status: criteria provided, single submitter. Criteria: ACMG Guidelines, 2015. Collection method: clinical testing. Allele origin: germline. Inheritance: Autosomal recessive inheritance. Observed: 1 variant allele, 1 heterozygote.
Comment: This study involves interpretation of variants in research participants for the purpose of population health screening. Participant phenotype was not available at the time of variant classification. Additional details can be found in publication PMID: 35346344, PMCID: PMC8962531